The following is an entry in ClinVar:

NM_000452.3(SLC10A2):c.580C>A (p.Leu194Ile)

Gene: SLC10A2 (solute carrier family 10 member 2; minus strand). Cytogenetic location: 13q33.1.
Variant type: single nucleotide variant.
Coding change: c.580C>A on transcript NM_000452.3 (MANE Select); coding-DNA position 580, C replaced by A.
Protein change: p.Leu194Ile; replaces leucine 194 with isoleucine.
Molecular consequence: missense variant.
Genome position (GRCh38, 1-based): chr13:103,052,625, G>T on the plus strand (C>A on the coding strand, the complement: SLC10A2 is on the minus strand). VCF-style: chr13-103052625-G-T. GRCh37 (hg19) VCF-style: chr13-103704975-G-T.
Other names: short protein forms L194I.
Identifiers: ClinVar variation 4738256 (VCV004738256.1).
Genomic context (GRCh38, chr13:103,052,625, plus strand): 5'-CTATGGTTTTGATTGTCACAGTGGAATATTTAATGGTGTGAACTGGGATACTTACTTTAA[G>T]TATGATCTTTGCTTTTTGGGGCCATTTGTGATTAACAAACATTCCAATGGAAACAGGAAC-3'
Protein context (NP_000443.2, residues 184-204): HKWPQKAKII[Leu194Ile]KIGSIAGAIL

ClinVar aggregate classification (germline): Uncertain significance (1 of 4 stars; one submission).

Submission:

Labcorp Genetics (formerly Invitae), Labcorp
Classification: Uncertain significance. Last evaluated: 2025-09-24. Review status: criteria provided, single submitter. Criteria: Invitae Variant Classification Sherloc (09022015). Collection method: clinical testing. Allele origin: germline.
Comment: This sequence change replaces leucine, which is neutral and non-polar, with isoleucine, which is neutral and non-polar, at codon 194 of the SLC10A2 protein (p.Leu194Ile). This variant is present in population databases (no rsID available, gnomAD 0.01%). This variant has not been reported in the literature in individuals affected with SLC10A2-related conditions. Invitae Evidence Modeling of protein sequence and biophysical properties (such as structural, functional, and spatial information, amino acid conservation, physicochemical variation, residue mobility, and thermodynamic stability) indicates that this missense variant is not expected to disrupt SLC10A2 protein function with a negative predictive value of 80%. In summary, the available evidence is currently insufficient to determine the role of this variant in disease. Therefore, it has been classified as a Variant of Uncertain Significance.